The following is an entry in ClinVar:

NM_031421.5(ODAD4):c.801C>T (p.Pro267=)

Gene: ODAD4 (outer dynein arm docking complex subunit 4; plus strand). Cytogenetic location: 17q21.2.
Variant type: single nucleotide variant.
Coding change: c.801C>T on transcript NM_031421.5 (MANE Select); coding-DNA position 801, C replaced by T.
Protein change: p.Pro267=; no amino-acid change (proline 267 retained).
Molecular consequence: synonymous variant. On other transcripts: non-coding transcript variant (1).
Genome position (GRCh38, 1-based): chr17:41,938,732, C>T. VCF-style: chr17-41938732-C-T. GRCh37 (hg19) VCF-style: chr17-40094985-C-T.
Other names: c.801C>T, p.Pro267= (NM_001350319.2).
Identifiers: ClinVar variation 3042944 (VCV003042944.2), dbSNP rs781866287, ClinGen allele CA8569137.
Genomic context (GRCh38, chr17:41,938,732, plus strand): 5'-CAGGGAGCGGGACCGGAAGCTGATGCAAGAGAAATGGCTGCGGGACCACAAACGCCGTCC[C>T]TCACAGACAGCCCATTACATCCTCAAGAGCCTGGAGGACATTGATATGTGTAGGTGTTGT-3'
Protein context (NP_113609.1, residues 257-277): EKWLRDHKRR[Pro267=]SQTAHYILKS

ClinVar aggregate classification (germline): Likely benign (0 of 4 stars; one submission).

Conditions:
ODAD4-related disorder. Also called: ODAD4-related condition.

Allele frequency attached by ClinVar (database versions not stated): TOPMed below 0.00001; ExAC 0.00002; gnomAD 0.00002.
gnomAD v4.1: 25 of 1,613,624 alleles (0.0015%); highest among the groups gnomAD compares: African/African-American, 0.004%; no homozygotes.

Submission:

PreventionGenetics, part of Exact Sciences
Classification: Likely benign for ODAD4-related condition. Last evaluated: 2020-01-03. Review status: no assertion criteria provided. Collection method: clinical testing. Allele origin: germline.
Comment: This variant is classified as likely benign based on ACMG/AMP sequence variant interpretation guidelines (Richards et al. 2015 PMID: 25741868, with internal and published modifications).